The following is an entry in ClinVar:

NM_000557.5(GDF5):c.1291G>A (p.Gly431Arg)

Genes: GDF5 (growth differentiation factor 5; minus strand), GDF5-AS1 (GDF5 antisense RNA 1; plus strand). Cytogenetic location: 20q11.22.
Variant type: single nucleotide variant.
Coding change: c.1291G>A on transcript NM_000557.5 (MANE Select); coding-DNA position 1291, G replaced by A.
Protein change: p.Gly431Arg; replaces glycine 431 with arginine.
Molecular consequence: missense variant. On other transcripts: non-coding transcript variant (1).
Genome position (GRCh38, 1-based): chr20:35,434,124, C>T on the plus strand (G>A on the coding strand, the complement: GDF5 is on the minus strand). VCF-style: chr20-35434124-C-T. GRCh37 (hg19) VCF-style: chr20-34021922-C-T.
Other names: c.1291G>A, p.Gly431Arg (NM_001319138.2); short protein forms G431R.
Identifiers: ClinVar variation 3707912 (VCV003707912.2).
Genomic context (GRCh38, chr20:35,434,124, plus strand): 5'-TCTGGATGACTGCATGATTCGTGGGCTCCAGGTGGGAGCGCAATGGGAACTCGCACAGCC[C>T]CTCGCAGTGGAAAGCCTCGTACTCAAGGGGTGCGATGATCCAGTCGTCCCAGCCCATGTC-3'
Protein context (NP_000548.2, residues 421-441): PLEYEAFHCE[Gly431Arg]LCEFPLRSHL

ClinVar aggregate classification (germline): Uncertain significance (1 of 4 stars; one submission).

Submission:

Labcorp Genetics (formerly Invitae), Labcorp
Classification: Uncertain significance. Last evaluated: 2024-12-04. Review status: criteria provided, single submitter. Criteria: Invitae Variant Classification Sherloc (09022015). Collection method: clinical testing. Allele origin: germline.
Comment: This sequence change replaces glycine, which is neutral and non-polar, with arginine, which is basic and polar, at codon 431 of the GDF5 protein (p.Gly431Arg). This variant is not present in population databases (gnomAD no frequency). This variant has not been reported in the literature in individuals affected with GDF5-related conditions. Invitae Evidence Modeling of protein sequence and biophysical properties (such as structural, functional, and spatial information, amino acid conservation, physicochemical variation, residue mobility, and thermodynamic stability) indicates that this missense variant is expected to disrupt GDF5 protein function with a positive predictive value of 80%. In summary, the available evidence is currently insufficient to determine the role of this variant in disease. Therefore, it has been classified as a Variant of Uncertain Significance.